The following is an entry in ClinVar:

NM_153717.3(EVC):c.2562-2A>G

Gene: EVC (EvC ciliary complex subunit 1; plus strand). Cytogenetic location: 4p16.2.
Variant type: single nucleotide variant.
Coding change: c.2562-2A>G on transcript NM_153717.3 (MANE Select); the canonical splice acceptor site of the intron before coding-DNA position 2562, A replaced by G.
Molecular consequence: splice acceptor variant.
Genome position (GRCh38, 1-based): chr4:5,808,199, A>G. VCF-style: chr4-5808199-A-G. GRCh37 (hg19) VCF-style: chr4-5809926-A-G.
Other names: c.2562-2A>G (NM_001306090.2).
Identifiers: ClinVar variation 646416 (VCV000646416.9), dbSNP rs1293098417, ClinGen allele CA356150319.

ClinVar aggregate classification (germline): Likely pathogenic (1 of 4 stars; one submission).

Conditions:
Ellis-van Creveld syndrome (EVC). Also called: MESOECTODERMAL DYSPLASIA; EVC-Related Ellis-van Creveld Syndrome; EVC2-Related Ellis-van Creveld Syndrome; Chondroectodermal dysplasia. Identifiers: Orphanet 289, MedGen C0013903, MONDO:0009162, OMIM 225500.
Curry-Hall syndrome (WAD). Also called: WEYERS ACRODENTAL DYSOSTOSIS. Identifiers: Orphanet 952, MedGen C0457013, MONDO:0008673, OMIM 193530.

Allele frequency attached by ClinVar (database versions not stated): gnomAD exomes below 0.00001 and 0.00001; TOPMed 0.00001; gnomAD 0.00002.
gnomAD v4.1: 17 of 1,281,474 alleles (0.0013%); highest among the groups gnomAD compares: Non-Finnish European, 0.0017%; no homozygotes.

Submissions (2):

Labcorp Genetics (formerly Invitae), Labcorp
Classification: Likely pathogenic for Curry-Hall syndrome; Ellis-van Creveld syndrome. Last evaluated: 2023-06-11. Review status: criteria provided, single submitter. Criteria: Invitae Variant Classification Sherloc (09022015). Collection method: clinical testing. Allele origin: germline.
Comment: This sequence change affects an acceptor splice site in intron 17 of the EVC gene. It is expected to disrupt RNA splicing. Variants that disrupt the donor or acceptor splice site typically lead to a loss of protein function (PMID: 16199547), and loss-of-function variants in EVC are known to be pathogenic (PMID: 23220543). This variant is present in population databases (no rsID available, gnomAD 0.0009%). This variant has not been reported in the literature in individuals affected with EVC-related conditions. ClinVar contains an entry for this variant (Variation ID: 646416). Algorithms developed to predict the effect of sequence changes on RNA splicing suggest that this variant may disrupt the consensus splice site. In summary, the currently available evidence indicates that the variant is pathogenic, but additional data are needed to prove that conclusively. Therefore, this variant has been classified as Likely Pathogenic.

Dr. Peter K. Rogan Lab, Western University
No classification provided (evidence only). Condition: Clear cell carcinoma of kidney. Review status: no classification provided. Collection method: in vitro. Allele origin: not applicable. Functional consequence: retained intron. Not counted in ClinVar's aggregate classification.

Literature cited by the submitters: PubMed 16199547 (cited by Labcorp Genetics (formerly Invitae), Labcorp); PubMed 23220543 (cited by Labcorp Genetics (formerly Invitae), Labcorp).